The following is an entry in ClinVar:

ClinVar aggregate classification (germline): Likely pathogenic (1 of 4 stars; one submission).

Conditions:
Deafness with labyrinthine aplasia, microtia, and microdontia. Also called: Congenital Deafness with Inner Ear Agenesis, Microtia, and Microdontia; DEAFNESS WITH LAMM; DEAFNESS, CONGENITAL, WITH LABYRINTHINE APLASIA, MICROTIA, AND MICRODONTIA. Identifiers: Orphanet 90024, MedGen C1853144, MONDO:0012541, OMIM 610706.

gnomAD v4.1: 1 of 1,611,012 alleles (0.000062%); highest among the groups gnomAD compares: Non-Finnish European, 0.000085%; no homozygotes.

Submission:

Institute of Rare Diseases, West China Hospital, Sichuan University
Classification: Likely pathogenic for Deafness with labyrinthine aplasia, microtia, and microdontia. Last evaluated: 2025-01-09. Review status: criteria provided, single submitter. Criteria: ClinGen HL ACMG Specifications v1. Collection method: research. Allele origin: germline. Affected: yes.
Comment: PVS1;PM2_Supporting

NM_005247.4(FGF3):c.517C>T (p.Gln173Ter)

Gene: FGF3 (fibroblast growth factor 3; minus strand). Cytogenetic location: 11q13.3.
Variant type: single nucleotide variant.
Coding change: c.517C>T on transcript NM_005247.4 (MANE Select); coding-DNA position 517, C replaced by T.
Protein change: p.Gln173Ter; replaces glutamine 173 with a stop codon.
Molecular consequence: nonsense.
Genome position (GRCh38, 1-based): chr11:69,810,508, G>A on the plus strand (C>T on the coding strand, the complement: FGF3 is on the minus strand). VCF-style: chr11-69810508-G-A. GRCh37 (hg19) VCF-style: chr11-69625276-G-A.
Other names: short protein forms Q173*.
Identifiers: ClinVar variation 3601128 (VCV003601128.1).